The following is an entry in ClinVar:

ClinVar aggregate classification (germline): Uncertain significance. Review status: criteria provided, multiple submitters, no conflicts (2 of 4 stars). 4 submissions from 4 submitters: Uncertain significance (3). 1 of the submissions does not count toward it. Last evaluated 2026-06-27.

Conditions:
VPS13B-related disorder. Also called: VPS13B-related condition.
Cohen syndrome (COH1). Also called: Cutis verticis gyrata, retinitis pigmentosa, and sensorineural deafness; PEPPER SYNDROME. Identifiers: Orphanet 193, MedGen C0265223, MONDO:0008999, OMIM 216550.

gnomAD v4.1: 11 of 1,613,552 alleles (0.00068%); highest among the groups gnomAD compares: African/African-American, 0.0013%; no homozygotes.

Submissions (4):

PreventionGenetics, part of Exact Sciences
Classification: Uncertain significance for VPS13B-related condition. Last evaluated: 2026-06-27. Review status: criteria provided, single submitter. Criteria: ACMG Guidelines, 2015. Collection method: clinical testing. Allele origin: germline.
Comment: The VPS13B c.9608G>A variant is predicted to result in the amino acid substitution p.Cys3203Tyr. To our knowledge, this variant has not been reported in the literature. This variant is reported in 0.0029% of alleles in individuals of Latino descent in gnomAD. At this time, the clinical significance of this variant is uncertain due to the absence of conclusive functional and genetic evidence.

GeneDx
Classification: Uncertain significance. Last evaluated: 2024-09-13. Review status: criteria provided, single submitter. Criteria: GeneDx Variant Classification Process June 2021. Collection method: clinical testing. Allele origin: germline. Affected: yes.
Comment: Not observed at significant frequency in large population cohorts (gnomAD); In silico analysis indicates that this missense variant does not alter protein structure/function; Has not been previously published as pathogenic or benign to our knowledge

Labcorp Genetics (formerly Invitae), Labcorp
Classification: Uncertain significance for Cohen syndrome. Last evaluated: 2022-08-09. Review status: criteria provided, single submitter. Criteria: Invitae Variant Classification Sherloc (09022015). Collection method: clinical testing. Allele origin: germline.
Comment: This sequence change replaces cysteine, which is neutral and slightly polar, with tyrosine, which is neutral and polar, at codon 3228 of the VPS13B protein (p.Cys3228Tyr). This variant is present in population databases (rs747611342, gnomAD 0.003%). This variant has not been reported in the literature in individuals affected with VPS13B-related conditions. ClinVar contains an entry for this variant (Variation ID: 643674). Algorithms developed to predict the effect of missense changes on protein structure and function are either unavailable or do not agree on the potential impact of this missense change (SIFT: "Not Available"; PolyPhen-2: "Benign"; Align-GVGD: "Not Available"). In summary, the available evidence is currently insufficient to determine the role of this variant in disease. Therefore, it has been classified as a Variant of Uncertain Significance.

Natera, Inc.
Classification: Uncertain significance for Cohen syndrome. Last evaluated: 2020-09-16. Review status: no assertion criteria provided. Collection method: clinical testing. Allele origin: germline. Not counted in ClinVar's aggregate classification.

NM_152564.5(VPS13B):c.9608G>A (p.Cys3203Tyr)

Gene: VPS13B (vacuolar protein sorting 13 homolog B; plus strand). Cytogenetic location: 8q22.2.
Variant type: single nucleotide variant.
Coding change: c.9608G>A on transcript NM_152564.5 (MANE Select); coding-DNA position 9608, G replaced by A.
Protein change: p.Cys3203Tyr; replaces cysteine 3203 with tyrosine.
Molecular consequence: missense variant.
Genome position (GRCh38, 1-based): chr8:99,832,646, G>A. VCF-style: chr8-99832646-G-A. GRCh37 (hg19) VCF-style: chr8-100844874-G-A.
Other names: c.9683G>A (NM_017890.3); c.9683G>A, p.Cys3228Tyr (NM_017890.5); c.9608G>A (NM_152564.4); short protein forms C3203Y, C3228Y.
Identifiers: ClinVar variation 643674 (VCV000643674.6), dbSNP rs747611342, ClinGen allele CA4824737.